The following is an entry in ClinVar:

ClinVar aggregate classification (germline): Uncertain significance. Review status: criteria provided, multiple submitters, no conflicts (2 of 4 stars). 2 submissions from 2 submitters: Uncertain significance (2). Last evaluated 2025-05-01.

Submissions (2):

GeneDx
Classification: Uncertain significance. Last evaluated: 2025-05-01. Review status: criteria provided, single submitter. Criteria: GeneDx Variant Classification Process June 2021. Collection method: clinical testing. Allele origin: germline. Affected: yes.
Comment: Not observed at significant frequency in large population cohorts (gnomAD); In silico analysis supports that this missense variant has a deleterious effect on protein structure/function; Has not been previously published as pathogenic or benign to our knowledge

Labcorp Genetics (formerly Invitae), Labcorp
Classification: Uncertain significance. Last evaluated: 2022-11-01. Review status: criteria provided, single submitter. Criteria: Invitae Variant Classification Sherloc (09022015). Collection method: clinical testing. Allele origin: germline.
Comment: This variant has not been reported in the literature in individuals affected with MYH14-related conditions. Advanced modeling of protein sequence and biophysical properties (such as structural, functional, and spatial information, amino acid conservation, physicochemical variation, residue mobility, and thermodynamic stability) performed at Invitae indicates that this missense variant is expected to disrupt MYH14 protein function. In summary, the available evidence is currently insufficient to determine the role of this variant in disease. Therefore, it has been classified as a Variant of Uncertain Significance. This variant is not present in population databases (gnomAD no frequency). This sequence change replaces leucine, which is neutral and non-polar, with arginine, which is basic and polar, at codon 1814 of the MYH14 protein (p.Leu1814Arg).

NM_001145809.2(MYH14):c.5564T>G (p.Leu1855Arg)

Gene: MYH14 (myosin heavy chain 14; plus strand). Cytogenetic location: 19q13.33.
Variant type: single nucleotide variant.
Coding change: c.5564T>G on transcript NM_001145809.2 (MANE Select); coding-DNA position 5564, T replaced by G.
Protein change: p.Leu1855Arg; replaces leucine 1855 with arginine.
Molecular consequence: missense variant.
Genome position (GRCh38, 1-based): chr19:50,301,755, T>G. VCF-style: chr19-50301755-T-G. GRCh37 (hg19) VCF-style: chr19-50805012-T-G.
Other names: c.5465T>G, p.Leu1822Arg (NM_001077186.2); c.5441T>G, p.Leu1814Arg (NM_024729.4); c.5441T>G (NM_024729.3); short protein forms L1855R, L1822R, L1814R.
Identifiers: ClinVar variation 2127481 (VCV002127481.5), dbSNP rs2513769836, ClinGen allele CA406964859.